The following is an entry in ClinVar:

NM_001394062.1(MACF1):c.1331T>C (p.Leu444Pro)

Gene: MACF1 (microtubule actin crosslinking factor 1; plus strand). Cytogenetic location: 1p34.3.
Variant type: single nucleotide variant.
Coding change: c.1331T>C on transcript NM_001394062.1 (MANE Select); coding-DNA position 1331, T replaced by C.
Protein change: p.Leu444Pro; replaces leucine 444 with proline.
Molecular consequence: missense variant.
Genome position (GRCh38, 1-based): chr1:39,285,368, T>C. VCF-style: chr1-39285368-T-C. GRCh37 (hg19) VCF-style: chr1-39751040-T-C.
Other names: c.1346T>C, p.Leu449Pro (NM_012090.5); short protein forms L444P, L449P.
Identifiers: ClinVar variation 1976150 (VCV001976150.6), dbSNP rs754235741, ClinGen allele CA779402.
Genomic context (GRCh38, chr1:39,285,368, plus strand): 5'-TGCTACAGATTGCAAACAAAATCCAGAATGGTGCTTTGAACTGTGAAGAAAAACTGACAC[T>C]AGCTAAGAATACACTGCAGGCTGTAAGTCTCTGACTGTTTTGTCCAACATCTGTGTCACA-3'
Protein context (NP_001380991.1, residues 434-454): GALNCEEKLT[Leu444Pro]AKNTLQADAA

ClinVar aggregate classification (germline): Likely benign. Review status: criteria provided, multiple submitters, no conflicts (2 of 4 stars). 2 submissions from 2 submitters: Likely benign (2). Last evaluated 2026-07-01.

Allele frequency attached by ClinVar (database versions not stated): gnomAD exomes 0.00002; TOPMed 0.00002; ExAC 0.00003.
gnomAD v4.1: 10 of 1,614,110 alleles (0.00062%); highest among the groups gnomAD compares: Admixed American, 0.017%; no homozygotes.

Submissions (2):

CeGaT Center for Human Genetics Tuebingen
Classification: Likely benign. Last evaluated: 2026-07-01. Review status: criteria provided, single submitter. Criteria: CeGaT Center For Human Genetics Tuebingen Variant Classification Criteria Version 2. Collection method: clinical testing. Allele origin: germline. Affected: yes. Observed: 1 variant allele.
Comment: MACF1: BS2

Labcorp Genetics (formerly Invitae), Labcorp
Classification: Likely benign. Last evaluated: 2023-07-07. Review status: criteria provided, single submitter. Criteria: Invitae Variant Classification Sherloc (09022015). Collection method: clinical testing. Allele origin: germline.